The following is an entry in ClinVar:

NM_002242.4(KCNJ13):c.479T>A (p.Ile160Asn)

Genes: GIGYF2 (GRB10 interacting GYF protein 2; plus strand), KCNJ13 (potassium inwardly rectifying channel subfamily J member 13; minus strand). Cytogenetic location: 2q37.1.
Variant type: single nucleotide variant.
Coding change: c.479T>A on transcript NM_002242.4 (MANE Select); coding-DNA position 479, T replaced by A.
Protein change: p.Ile160Asn; replaces isoleucine 160 with asparagine.
Molecular consequence: missense variant. On other transcripts: intron variant (4).
Genome position (GRCh38, 1-based): chr2:232,768,795, A>T on the plus strand (T>A on the coding strand, the complement: KCNJ13 is on the minus strand). VCF-style: chr2-232768795-A-T. GRCh37 (hg19) VCF-style: chr2-233633505-A-T.
Other names: c.243T>A, p.Asp81Glu (NM_001172416.1); c.239T>A, p.Ile80Asn (NM_001172417.1); c.532+7359A>T (NM_001103146.3, NM_015575.4, NM_001103147.2 and 1 more transcripts); short protein forms I160N, D81E, I80N.
Identifiers: ClinVar variation 1442978 (VCV001442978.7), dbSNP rs564363265, ClinGen allele CA351010569.

ClinVar aggregate classification (germline): Uncertain significance. Review status: criteria provided, multiple submitters, no conflicts (2 of 4 stars). 2 submissions from 2 submitters: Uncertain significance (2). Last evaluated 2025-04-12.

gnomAD v4.1: 6 of 1,605,480 alleles (0.00037%); highest among the groups gnomAD compares: Admixed American, 0.0051%; no homozygotes.

Submissions (2):

Labcorp Genetics (formerly Invitae), Labcorp
Classification: Uncertain significance. Last evaluated: 2025-04-12. Review status: criteria provided, single submitter. Criteria: Invitae Variant Classification Sherloc (09022015). Collection method: clinical testing. Allele origin: germline.
Comment: This sequence change replaces isoleucine, which is neutral and non-polar, with asparagine, which is neutral and polar, at codon 160 of the KCNJ13 protein (p.Ile160Asn). This variant is present in population databases (no rsID available, gnomAD 0.006%). This variant has not been reported in the literature in individuals affected with KCNJ13-related conditions. ClinVar contains an entry for this variant (Variation ID: 1442978). Invitae Evidence Modeling of protein sequence and biophysical properties (such as structural, functional, and spatial information, amino acid conservation, physicochemical variation, residue mobility, and thermodynamic stability) indicates that this missense variant is expected to disrupt KCNJ13 protein function with a positive predictive value of 80%. In summary, the available evidence is currently insufficient to determine the role of this variant in disease. Therefore, it has been classified as a Variant of Uncertain Significance.

Blueprint Genetics
Classification: Uncertain significance. Last evaluated: 2021-11-18. Review status: criteria provided, single submitter. Criteria: ACMG Guidelines, 2015. Collection method: clinical testing. Allele origin: germline.